The following is an entry in ClinVar:

ClinVar aggregate classification (germline): Uncertain significance (1 of 4 stars; one submission).

gnomAD v4.1: 1 of 1,613,994 alleles (0.000062%); highest among the groups gnomAD compares: Middle Eastern, 0.017%; no homozygotes.

Submission:

GeneDx
Classification: Uncertain significance. Last evaluated: 2019-07-29. Review status: criteria provided, single submitter. Criteria: GeneDx Variant Classification Process June 2021. Collection method: clinical testing. Allele origin: germline. Affected: yes.
Comment: Not observed in large population cohorts (Lek et al., 2016); In silico analysis, which includes protein predictors and evolutionary conservation, supports that this variant does not alter protein structure/function; Has not been previously published as pathogenic or benign to our knowledge

NM_014141.6(CNTNAP2):c.1408G>A (p.Ala470Thr)

Gene: CNTNAP2 (contactin associated protein 2; plus strand). Cytogenetic location: 7q35.
Variant type: single nucleotide variant.
Coding change: c.1408G>A on transcript NM_014141.6 (MANE Select); coding-DNA position 1408, G replaced by A.
Protein change: p.Ala470Thr; replaces alanine 470 with threonine.
Molecular consequence: missense variant.
Genome position (GRCh38, 1-based): chr7:147,300,200, G>A. VCF-style: chr7-147300200-G-A. GRCh37 (hg19) VCF-style: chr7-146997292-G-A.
Other names: short protein forms A470T.
Identifiers: ClinVar variation 1316106 (VCV001316106.2), dbSNP rs1303558504, ClinGen allele CA369925161.
Genomic context (GRCh38, chr7:147,300,200, plus strand): 5'-GGTTCTGGGTTGAATGATGGACAGTGGCACGAGGTTCGCTTCCTAGCCAAGGAAAATTTT[G>A]CTATTCTCACCATCGATGGAGATGAAGCATCAGCAGTTCGAACTAATAGTCCCCTTCAAG-3'
Protein context (NP_054860.1, residues 460-480): EVRFLAKENF[Ala470Thr]ILTIDGDEAS